The following is an entry in ClinVar:

NM_000334.4(SCN4A):c.4168A>G (p.Met1390Val)

Genes: GH-LCR (growth hormone locus control region; plus strand), SCN4A (sodium voltage-gated channel alpha subunit 4; minus strand). Cytogenetic location: 17q23.3.
Variant type: single nucleotide variant.
Coding change: c.4168A>G on transcript NM_000334.4 (MANE Select); coding-DNA position 4168, A replaced by G.
Protein change: p.Met1390Val; replaces methionine 1390 with valine.
Molecular consequence: missense variant.
Genome position (GRCh38, 1-based): chr17:63,942,946, T>C on the plus strand (A>G on the coding strand, the complement: SCN4A is on the minus strand). VCF-style: chr17-63942946-T-C. GRCh37 (hg19) VCF-style: chr17-62020306-T-C.
Other names: short protein forms M1390V.
Identifiers: ClinVar variation 1003633 (VCV001003633.9), dbSNP rs754311975, ClinGen allele CA400616577.
Genomic context (GRCh38, chr17:63,942,946, plus strand): 5'-ACTGGCGCAGGGCGAGCATCTTGAGCACGCACTCCCCTGTGAAGATGATGATGAAGATCA[T>C]GTTGATGTTGTACAGGATGTCCACCTTGAGCTGGCTCTGGTTGTCTGTCTCCACCATCAT-3'
Protein context (NP_000325.4, residues 1380-1400): LKVDILYNIN[Met1390Val]IFIIIFTGEC

ClinVar aggregate classification (germline): Uncertain significance (1 of 4 stars; one submission).

Conditions:
Hyperkalemic periodic paralysis. Also called: Familial hyperkalemic periodic paralysis; Gamstorp disease. Identifiers: Orphanet 682, MedGen C0238357, MONDO:0008224, OMIM 170500, HP:0007215.

Submission:

Labcorp Genetics (formerly Invitae), Labcorp
Classification: Uncertain significance for Hyperkalemic periodic paralysis. Last evaluated: 2020-09-11. Review status: criteria provided, single submitter. Criteria: Invitae Variant Classification Sherloc (09022015). Collection method: clinical testing. Allele origin: germline.
Comment: This sequence change replaces methionine with valine at codon 1390 of the SCN4A protein (p.Met1390Val). The methionine residue is highly conserved and there is a small physicochemical difference between methionine and valine. In summary, the available evidence is currently insufficient to determine the role of this variant in disease. Therefore, it has been classified as a Variant of Uncertain Significance. Algorithms developed to predict the effect of missense changes on protein structure and function (SIFT, PolyPhen-2, Align-GVGD) all suggest that this variant is likely to be tolerated, but these predictions have not been confirmed by published functional studies and their clinical significance is uncertain. This variant has not been reported in the literature in individuals with SCN4A-related conditions. This variant is not present in population databases (ExAC no frequency).